The following is an entry in ClinVar:

NM_033087.4(ALG2):c.1054_1055insTGA (p.Ser352delinsLeuThr)

Gene: ALG2 (ALG2 alpha-1,3/1,6-mannosyltransferase; minus strand). Cytogenetic location: 9q22.33.
Variant type: Insertion.
Coding change: c.1054_1055insTGA on transcript NM_033087.4 (MANE Select); coding-DNA positions 1054 to 1055, TGA inserted.
Protein change: p.Ser352delinsLeuThr.
Molecular consequence: inframe indel. On other transcripts: non-coding transcript variant (1).
Genome position: GRCh38 VCF-style: chr9-99218130-G-GTCA. GRCh37 (hg19) VCF-style: chr9-101980412-G-GTCA.
Identifiers: ClinVar variation 1021130 (VCV001021130.2), dbSNP rs763662395, ClinGen allele CA5156222.

ClinVar aggregate classification (germline): Uncertain significance (1 of 4 stars; one submission).

Conditions:
Congenital myasthenic syndrome 14. Also called: Myasthenic syndrome, congenital, 14, with tubular aggregates. Identifiers: Orphanet 353327, Orphanet 590, MedGen C4015597, MONDO:0014543, OMIM 616228.
Congenital disorder of glycosylation, type Ii. Also called: ALG2-CDG; CDG Ii; ALG2-congenital disorder of glycosylation. Identifiers: Orphanet 79326, MedGen C1842836, MONDO:0011933, OMIM 607906.

Allele frequency attached by ClinVar (database versions not stated): gnomAD exomes 0.00006; gnomAD 0.00007; ExAC 0.00008.

Submission:

Labcorp Genetics (formerly Invitae), Labcorp
Classification: Uncertain significance for Congenital disorder of glycosylation, type Ii; Congenital myasthenic syndrome 14. Last evaluated: 2018-06-20. Review status: criteria provided, single submitter. Criteria: Invitae Variant Classification Sherloc (09022015). Collection method: clinical testing. Allele origin: germline.
Comment: This sequence change results in a premature translational stop signal in the ALG2 gene (p.Ser352Leufs*3). While this is not anticipated to result in nonsense mediated decay, it is expected to disrupt the last 65 amino acids of the ALG2 protein. This variant is not present in population databases (ExAC no frequency). This variant has not been reported in the literature in individuals with ALG2-related disease. ClinVar contains an entry for this variant (Variation ID:¬†464893). In summary, the available evidence is currently insufficient to determine the role of this variant in disease. Therefore, it has been classified as a Variant of Uncertain Significance.